The following is an entry in ClinVar:

ClinVar aggregate classification (germline): Uncertain significance. Review status: criteria provided, multiple submitters, no conflicts (2 of 4 stars). 2 submissions from 2 submitters: Uncertain significance (2). Last evaluated 2024-10-03.

Conditions:
Inborn genetic diseases. Identifiers: MedGen C0950123, MeSH D030342.

Allele frequency attached by ClinVar (database versions not stated): gnomAD exomes 0.00001; ExAC 0.00002; gnomAD 0.00002; TOPMed 0.00005.
gnomAD v4.1: 8 of 1,613,754 alleles (0.0005%); highest among the groups gnomAD compares: Admixed American, 0.0067%; no homozygotes.

Submissions (2):

Ambry Genetics
Classification: Uncertain significance for Inborn genetic diseases. Last evaluated: 2024-10-03. Review status: criteria provided, single submitter. Criteria: Ambry Variant Classification Scheme 2023. Collection method: clinical testing. Allele origin: germline.

GeneDx
Classification: Uncertain significance. Last evaluated: 2022-11-29. Review status: criteria provided, single submitter. Criteria: GeneDx Variant Classification Process June 2021. Collection method: clinical testing. Allele origin: germline. Affected: yes.
Comment: Not observed at significant frequency in large population cohorts (gnomAD); Has not been previously published as pathogenic or benign to our knowledge

NM_032193.4(RNASEH2C):c.176T>C (p.Leu59Pro)

Gene: RNASEH2C (ribonuclease H2 subunit C; minus strand). Cytogenetic location: 11q13.1.
Variant type: single nucleotide variant.
Coding change: c.176T>C on transcript NM_032193.4 (MANE Select); coding-DNA position 176, T replaced by C.
Protein change: p.Leu59Pro; replaces leucine 59 with proline.
Molecular consequence: missense variant.
Genome position (GRCh38, 1-based): chr11:65,720,414, A>G on the plus strand (T>C on the coding strand, the complement: RNASEH2C is on the minus strand). VCF-style: chr11-65720414-A-G. GRCh37 (hg19) VCF-style: chr11-65487885-A-G.
Other names: short protein forms L59P.
Identifiers: ClinVar variation 2504346 (VCV002504346.2), dbSNP rs776487895, ClinGen allele CA6107776.